The following is an entry in ClinVar:

ClinVar aggregate classification (germline): Pathogenic/Likely pathogenic. Review status: criteria provided, multiple submitters, no conflicts (2 of 4 stars). 14 submissions from 13 submitters: Pathogenic (12); Likely pathogenic (1). 1 of the submissions does not count toward it. Last evaluated 2026-09-04.

Conditions:
Joubert syndrome and related disorders. Identifiers: Orphanet 140874, MedGen C5679612, MONDO:0015369.
COACH syndrome 3. Identifiers: MedGen C5436841, MONDO:0030862, OMIM 619113.
Joubert syndrome 7 (JBTS7). Identifiers: Orphanet 220497, MedGen C1969053, MONDO:0012694, OMIM 611560.
Meckel syndrome, type 5 (MKS5). Identifiers: Orphanet 564, MedGen C1969052, MONDO:0012695, OMIM 611561.
RPGRIP1L-related disorder. Also called: RPGRIP1L-related disorders; RPGRIP1L-related condition. Identifiers: MedGen CN239416.
COACH syndrome 1. Identifiers: Orphanet 1454, MedGen C5435651, MONDO:0800103, OMIM 216360, MONDO:0008996.
Abnormality of prenatal development or birth. Identifiers: MedGen C4025797, HP:0001197.
Joubert syndrome. Also called: JOUBERT-BOLTSHAUSER SYNDROME; Familial aplasia of the vermis. Identifiers: Orphanet 475, MedGen C5979921, MONDO:0018772.
Meckel-Gruber syndrome. Also called: DYSENCEPHALIA SPLANCHNOCYSTICA; GRUBER SYNDROME; Dysencephalia splachnocystica. Identifiers: Orphanet 564, MedGen C0265215, MONDO:0018921.

Allele frequency attached by ClinVar (database versions not stated): gnomAD 0.00002 and 0.00003; gnomAD exomes 0.00002 and 0.00006; TOPMed 0.00003; ExAC 0.00011.
gnomAD v4.1: 36 of 1,613,648 alleles (0.0022%); highest among the groups gnomAD compares: Non-Finnish European, 0.0027%; no homozygotes.

Submissions (14):

PreventionGenetics, part of Exact Sciences
Classification: Pathogenic for RPGRIP1L-related condition. Last evaluated: 2026-09-04. Review status: criteria provided, single submitter. Criteria: ACMG Guidelines, 2015. Collection method: clinical testing. Allele origin: germline.
Comment: The RPGRIP1L c.2050C>T variant is predicted to result in premature protein termination (p.Gln684*). This variant has been reported in multiple individuals with Joubert syndrome or related phenotypes (Arts et al. 2007. PubMed ID: 17558407; Chaki et al. 2011. PubMed ID: 21866095; Bachmann-Gagescu et al. 2015. PubMed ID: 26092869, Table S5). This variant is reported in 0.013% of alleles in individuals of European (Non-Finnish) descent in gnomAD. Nonsense variants in RPGRIP1L are expected to be pathogenic. This variant is interpreted as pathogenic.

Women's Health and Genetics/Laboratory Corporation of America, LabCorp
Classification: Pathogenic for Joubert syndrome and related disorders. Last evaluated: 2026-06-01. Review status: criteria provided, single submitter. Criteria: LabCorp Variant Classification Summary - May 2015. Collection method: clinical testing. Allele origin: germline.
Comment: Variant summary: RPGRIP1L c.2050C>T (p.Gln684X) results in a premature termination codon, predicted to cause a truncation of the encoded protein or absence of the protein due to nonsense mediated decay, which are commonly known mechanisms for disease. The variant allele was found at a frequency of 6.4e-05 in 250966 control chromosomes. This frequency is not significantly higher than estimated for disease-causing variants in RPGRIP1L, allowing no conclusion about variant significance. c.2050C>T has been observed in individual(s) affected with RPGRIP1L-related conditions (Arts_2007). To our knowledge, no experimental evidence demonstrating an impact on protein function has been reported. The following publication have been ascertained in the context of this evaluation (PMID: 17558407). ClinVar contains an entry for this variant (Variation ID: 1076). Based on the evidence outlined above, the variant was classified as pathogenic.

Natera, Inc.
Classification: Pathogenic for Joubert syndrome. Last evaluated: 2026-01-28. Review status: criteria provided, single submitter. Criteria: Natera Variant Classification Schema (03/2026). Collection method: clinical testing. Allele origin: germline.
Comment: The c.2050C>T variant in RPGRIP1L is a nonsense variant predicted to introduce a stop codon at amino acid 684. This variant is expected to result in nonsense mediated decay, truncation, or a dysfunctional protein product. This variant is rare in the general population with a frequency below the threshold expected for the associated phenotype(s). This variant has been observed in one or more individuals affected with the associated recessive disease, as either homozygous or compound heterozygous with a second variant (PMID: 17558407). Given the available evidence, this variant is classified as Pathogenic.

Labcorp Genetics (formerly Invitae), Labcorp
Classification: Pathogenic for Joubert syndrome; Meckel-Gruber syndrome. Last evaluated: 2024-06-05. Review status: criteria provided, single submitter. Criteria: Invitae Variant Classification Sherloc (09022015). Collection method: clinical testing. Allele origin: germline.
Comment: This sequence change creates a premature translational stop signal (p.Gln684*) in the RPGRIP1L gene. It is expected to result in an absent or disrupted protein product. Loss-of-function variants in RPGRIP1L are known to be pathogenic (PMID: 17558409). This variant is present in population databases (rs121918204, gnomAD 0.01%). This premature translational stop signal has been observed in individuals with RPGRIP1L-related disease (PMID: 17558407, 21866095, 26092869). ClinVar contains an entry for this variant (Variation ID: 1076). For these reasons, this variant has been classified as Pathogenic.

Fulgent Genetics
Classification: Pathogenic for Joubert syndrome 7; Meckel syndrome, type 5; COACH syndrome 3. Last evaluated: 2024-04-20. Review status: criteria provided, single submitter. Criteria: ACMG Guidelines, 2015. Collection method: clinical testing. Allele origin: germline.

Blueprint Genetics
Classification: Pathogenic for RPGRIP1L-related disorders. Last evaluated: 2022-05-06. Review status: criteria provided, single submitter. Criteria: ACMG Guidelines, 2015. Collection method: clinical testing. Allele origin: germline. Affected: yes. Observed: 3 variant alleles.

CeGaT Center for Human Genetics Tuebingen
Classification: Pathogenic. Last evaluated: 2022-04-01. Review status: criteria provided, single submitter. Criteria: CeGaT Center For Human Genetics Tuebingen Variant Classification Criteria Version 2. Collection method: clinical testing. Allele origin: germline. Affected: yes. Observed: 2 variant alleles.

GeneDx
Classification: Pathogenic. Last evaluated: 2022-03-07. Review status: criteria provided, single submitter. Criteria: GeneDx Variant Classification Process June 2021. Collection method: clinical testing. Allele origin: germline. Affected: yes.
Comment: Published functional studies demonstrate that the variant disrupts RPGRIP1L-NPHP4 binding (Arts et al., 2007); Nonsense variant predicted to result in protein truncation or nonsense-mediated decay in a gene for which loss-of-function is a known mechanism of disease; Not observed at significant frequency in large population cohorts (gnomAD); This variant is associated with the following publications: (PMID: 25525159, 21866095, 17558407)

Revvity Omics, Revvity
Classification: Likely pathogenic. Last evaluated: 2021-11-05. Review status: criteria provided, single submitter. Criteria: ACMG Guidelines, 2015. Collection method: clinical testing. Allele origin: germline.

Kariminejad - Najmabadi Pathology & Genetics Center
Classification: Pathogenic for Abnormality of prenatal development or birth. Last evaluated: 2021-07-10. Review status: criteria provided, single submitter. Criteria: ACMG Guidelines, 2015. Collection method: clinical testing. Allele origin: germline. Affected: yes.

Fulgent Genetics
Classification: Pathogenic for COACH syndrome 1; Joubert syndrome 7; Meckel syndrome, type 5. Last evaluated: 2018-10-31. Review status: criteria provided, single submitter. Criteria: ACMG Guidelines, 2015. Collection method: clinical testing. Allele origin: unknown.

Genomic Research Center, Shahid Beheshti University of Medical Sciences
Classification: Pathogenic for Joubert syndrome 7. Last evaluated: 2018-03-05. Review status: criteria provided, single submitter. Criteria: ACMG Guidelines, 2015. Collection method: clinical testing. Allele origin: inherited. Affected: no. Observed: 1 variant allele.

UW Hindbrain Malformation Research Program, University of Washington
Classification: Pathogenic for Joubert syndrome 7. Last evaluated: 2015-02-23. Review status: criteria provided, single submitter. Criteria: Bachmann-Gagescu et al. (J Med Genet. 2015). Collection method: research. Allele origin: unknown. Affected: yes.

OMIM
Classification: Pathogenic for JOUBERT SYNDROME 7. Last evaluated: 2007-07-01. Review status: no assertion criteria provided. Collection method: literature only. Allele origin: germline. Not counted in ClinVar's aggregate classification.

Literature cited by the submitters: PubMed 17558407 (cited by 4 submitters); PubMed 17558409 (cited by Labcorp Genetics (formerly Invitae), Labcorp); PubMed 21866095 (cited by Labcorp Genetics (formerly Invitae), Labcorp); PubMed 26092869 (cited by Labcorp Genetics (formerly Invitae), Labcorp).

NM_015272.5(RPGRIP1L):c.2050C>T (p.Gln684Ter)

Gene: RPGRIP1L (RPGRIP1 like; minus strand). Cytogenetic location: 16q12.2.
Variant type: single nucleotide variant.
Coding change: c.2050C>T on transcript NM_015272.5 (MANE Select); coding-DNA position 2050, C replaced by T.
Protein change: p.Gln684Ter; replaces glutamine 684 with a stop codon.
Molecular consequence: nonsense.
Genome position (GRCh38, 1-based): chr16:53,652,637, G>A on the plus strand (C>T on the coding strand, the complement: RPGRIP1L is on the minus strand). VCF-style: chr16-53652637-G-A. GRCh37 (hg19) VCF-style: chr16-53686549-G-A.
Other names: c.2050C>T, p.Gln684Ter (NM_001127897.4, NM_001308334.3, NM_001330538.2); short protein forms Q684*.
Identifiers: ClinVar variation 1076 (VCV000001076.78), dbSNP rs121918204, ClinGen allele CA251696.